The following is an entry in ClinVar:

ClinVar aggregate classification (germline): Uncertain significance. Review status: criteria provided, multiple submitters, no conflicts (2 of 4 stars). 2 submissions from 2 submitters: Uncertain significance (2). Last evaluated 2025-10-16.

Conditions:
Hereditary cancer-predisposing syndrome. Also called: Hereditary neoplastic syndrome; Tumor predisposition; Neoplastic Syndromes, Hereditary; Hereditary Cancer Syndrome. Identifiers: Orphanet 140162, MedGen C0027672, MeSH D009386, MONDO:0015356.
Cardiovascular phenotype. Identifiers: MedGen CN230736.
Neurofibromatosis, type 1 (NF1). Also called: Peripheral type neurofibromatosis; VON RECKLINGHAUSEN DISEASE; NEUROFIBROMATOSIS, TYPE I, SOMATIC; Neurofibromatosis, type I. Identifiers: Orphanet 636, MedGen C0027831, MONDO:0018975, OMIM 162200. Disease mechanism: loss of function.

Allele frequency attached by ClinVar (database versions not stated): gnomAD exomes below 0.00001; gnomAD 0.00001.
gnomAD v4.1: 2 of 1,613,996 alleles (0.00012%); highest among the groups gnomAD compares: African/African-American, 0.0013%; no homozygotes.

Submissions (2):

Ambry Genetics
Classification: Uncertain significance for Cardiovascular phenotype; Hereditary cancer-predisposing syndrome. Last evaluated: 2025-10-16. Review status: criteria provided, single submitter. Criteria: Ambry Variant Classification Scheme 2023. Collection method: clinical testing. Allele origin: germline.
Comment: The p.K261E variant (also known as c.781A>G), located in coding exon 8 of the NF1 gene, results from an A to G substitution at nucleotide position 781. The lysine at codon 261 is replaced by glutamic acid, an amino acid with similar properties. This amino acid position is conserved. In addition, this alteration is predicted to be deleterious by in silico analysis. Based on the available evidence, the clinical significance of this variant remains unclear.

Labcorp Genetics (formerly Invitae), Labcorp
Classification: Uncertain significance for Neurofibromatosis, type 1. Last evaluated: 2024-11-14. Review status: criteria provided, single submitter. Criteria: Invitae Variant Classification Sherloc (09022015). Collection method: clinical testing. Allele origin: germline.
Comment: This sequence change replaces lysine, which is basic and polar, with glutamic acid, which is acidic and polar, at codon 261 of the NF1 protein (p.Lys261Glu). This variant is not present in population databases (gnomAD no frequency). This variant has not been reported in the literature in individuals affected with NF1-related conditions. ClinVar contains an entry for this variant (Variation ID: 960018). Invitae Evidence Modeling of protein sequence and biophysical properties (such as structural, functional, and spatial information, amino acid conservation, physicochemical variation, residue mobility, and thermodynamic stability) indicates that this missense variant is expected to disrupt NF1 protein function with a positive predictive value of 95%. In summary, the available evidence is currently insufficient to determine the role of this variant in disease. Therefore, it has been classified as a Variant of Uncertain Significance.

NM_001042492.3(NF1):c.781A>G (p.Lys261Glu)

Gene: NF1 (neurofibromin 1; plus strand). Cytogenetic location: 17q11.2.
Variant type: single nucleotide variant.
Coding change: c.781A>G on transcript NM_001042492.3 (MANE Select); coding-DNA position 781, A replaced by G.
Protein change: p.Lys261Glu; replaces lysine 261 with glutamic acid.
Molecular consequence: missense variant.
Genome position (GRCh38, 1-based): chr17:31,182,558, A>G. VCF-style: chr17-31182558-A-G. GRCh37 (hg19) VCF-style: chr17-29509576-A-G.
Other names: c.781A>G, p.Lys261Glu (NM_000267.4, NM_001128147.3); short protein forms K261E.
Identifiers: ClinVar variation 960018 (VCV000960018.7), dbSNP rs2066156804, ClinGen allele CA398990817.